The following is an entry in ClinVar:

ClinVar aggregate classification (germline): Uncertain significance (1 of 4 stars; one submission).

Submission:

CeGaT Center for Human Genetics Tuebingen
Classification: Uncertain significance. Last evaluated: 2023-07-01. Review status: criteria provided, single submitter. Criteria: CeGaT Center For Human Genetics Tuebingen Variant Classification Criteria Version 2. Collection method: clinical testing. Allele origin: germline. Affected: yes. Observed: 1 variant allele.
Comment: ATL1: PM2

NM_015915.5(ATL1):c.1269T>G (p.Ser423Arg)

Gene: ATL1 (atlastin GTPase 1; plus strand). Cytogenetic location: 14q22.1.
Variant type: single nucleotide variant.
Coding change: c.1269T>G on transcript NM_015915.5 (MANE Select); coding-DNA position 1269, T replaced by G.
Protein change: p.Ser423Arg; replaces serine 423 with arginine.
Molecular consequence: missense variant.
Genome position (GRCh38, 1-based): chr14:50,628,180, T>G. VCF-style: chr14-50628180-T-G. GRCh37 (hg19) VCF-style: chr14-51094898-T-G.
Other names: c.1269T>G, p.Ser423Arg (NM_001127713.1, NM_181598.4); short protein forms S423R.
Identifiers: ClinVar variation 2644232 (VCV002644232.24), dbSNP rs2504577540, ClinGen allele CA389675906.
Genomic context (GRCh38, chr14:50,628,180, plus strand): 5'-AGGGGTGAAGAAGATGGGTGGGGAAGAATTTAGCCGGCGTTACCTGCAGCAGTTGGAGAG[T>G]GAAATAGATGAACTTTACATCCAATATATCAAGCACAATGATAGCAAAAATATCTTCCAT-3'
Protein context (NP_056999.2, residues 413-433): FSRRYLQQLE[Ser423Arg]EIDELYIQYI